The following is an entry in ClinVar:

ClinVar aggregate classification (germline): Likely benign. Review status: criteria provided, multiple submitters, no conflicts (2 of 4 stars). 2 submissions from 2 submitters: Likely benign (2). Last evaluated 2023-08-10.

Conditions:
Pitt-Hopkins-like syndrome 2 (PTHSL2). Identifiers: Orphanet 221150, Orphanet 600663, MedGen C3280479, MONDO:0013690, OMIM 614325.

Allele frequency attached by ClinVar (database versions not stated): gnomAD exomes below 0.00001; gnomAD 0.00001; TOPMed 0.00001.
gnomAD v4.1: 3 of 1,445,658 alleles (0.00021%); highest among the groups gnomAD compares: African/African-American, 0.0028%; no homozygotes.

Submissions (2):

Labcorp Genetics (formerly Invitae), Labcorp
Classification: Likely benign for Pitt-Hopkins-like syndrome 2. Last evaluated: 2023-08-10. Review status: criteria provided, single submitter. Criteria: Invitae Variant Classification Sherloc (09022015). Collection method: clinical testing. Allele origin: germline.

GeneDx
Classification: Likely benign. Last evaluated: 2016-07-29. Review status: criteria provided, single submitter. Criteria: GeneDx Variant Classification (06012015). Collection method: clinical testing. Allele origin: germline. Affected: yes.
Comment: This variant is considered likely benign or benign based on one or more of the following criteria: it is a conservative change, it occurs at a poorly conserved position in the protein, it is predicted to be benign by multiple in silico algorithms, and/or has population frequency not consistent with disease.

NM_001330078.2(NRXN1):c.6G>T (p.Gly2=)

Gene: NRXN1 (neurexin 1; minus strand). Cytogenetic location: 2p16.3.
Variant type: single nucleotide variant.
Coding change: c.6G>T on transcript NM_001330078.2 (MANE Select); coding-DNA position 6, G replaced by T.
Protein change: p.Gly2=; no amino-acid change (glycine 2 retained).
Molecular consequence: synonymous variant.
Genome position (GRCh38, 1-based): chr2:51,028,268, C>A on the plus strand (G>T on the coding strand, the complement: NRXN1 is on the minus strand). VCF-style: chr2-51028268-C-A. GRCh37 (hg19) VCF-style: chr2-51255406-C-A.
Other names: c.6G>T, p.Gly2= (NM_001135659.3, NM_001330077.2, NM_001330079.2 and 15 more transcripts).
Identifiers: ClinVar variation 388096 (VCV000388096.6), dbSNP rs1015367549, ClinGen allele CA16604640.